The following is an entry in ClinVar:

ClinVar aggregate classification (germline): Uncertain significance (1 of 4 stars; one submission).

Conditions:
Inborn genetic diseases. Identifiers: MedGen C0950123, MeSH D030342.

Submission:

Ambry Genetics
Classification: Uncertain significance for Inborn genetic diseases. Last evaluated: 2025-05-10. Review status: criteria provided, single submitter. Criteria: Ambry Variant Classification Scheme 2023. Collection method: clinical testing. Allele origin: germline.
Comment: The p.K249R variant (also known as c.746A>G), located in coding exon 3 of the PIK3CA gene, results from an A to G substitution at nucleotide position 746. The lysine at codon 249 is replaced by arginine, an amino acid with highly similar properties. This amino acid position is conserved. In addition, this alteration is predicted to be tolerated by in silico analysis. Based on the available evidence, the clinical significance of this variant remains unclear.

NM_006218.4(PIK3CA):c.746A>G (p.Lys249Arg)

Gene: PIK3CA (phosphatidylinositol-4,5-bisphosphate 3-kinase catalytic subunit alpha; plus strand). Cytogenetic location: 3q26.32.
Variant type: single nucleotide variant.
Coding change: c.746A>G on transcript NM_006218.4 (MANE Select); coding-DNA position 746, A replaced by G.
Protein change: p.Lys249Arg; replaces lysine 249 with arginine.
Molecular consequence: missense variant.
Genome position (GRCh38, 1-based): chr3:179,201,473, A>G. VCF-style: chr3-179201473-A-G. GRCh37 (hg19) VCF-style: chr3-178919261-A-G.
Other names: short protein forms K249R.
Identifiers: ClinVar variation 3932402 (VCV003932402.1).
Genomic context (GRCh38, chr3:179,201,473, plus strand): 5'-CTCGAAGTATGTTGCTATCCTCTGAACAACTAAAACTCTGTGTTTTAGAATATCAGGGCA[A>G]GTATATTTTAAAAGTGTGTGGATGTGATGAATACTTCCTAGAAAAATATCCTCTGAGTCA-3'
Protein context (NP_006209.2, residues 239-259): LKLCVLEYQG[Lys249Arg]YILKVCGCDE